The following is an entry in ClinVar:

NM_001033855.3(DCLRE1C):c.662A>G (p.Glu221Gly)

Gene: DCLRE1C (DNA cross-link repair 1C; minus strand). Cytogenetic location: 10p13.
Variant type: single nucleotide variant.
Coding change: c.662A>G on transcript NM_001033855.3 (MANE Select); coding-DNA position 662, A replaced by G.
Protein change: p.Glu221Gly; replaces glutamic acid 221 with glycine.
Molecular consequence: missense variant. On other transcripts: non-coding transcript variant (4).
Genome position (GRCh38, 1-based): chr10:14,934,396, T>C on the plus strand (A>G on the coding strand, the complement: DCLRE1C is on the minus strand). VCF-style: chr10-14934396-T-C. GRCh37 (hg19) VCF-style: chr10-14976395-T-C.
Other names: c.302A>G, p.Glu101Gly (NM_001033857.3, NM_001033858.3, NM_001289077.2 and 2 more transcripts); c.317A>G, p.Glu106Gly (NM_001289076.2, NM_001289078.2, NM_001350966.2 and 1 more transcripts); c.662A>G, p.Glu221Gly (NM_001350965.2); short protein forms E106G, E101G, E221G.
Identifiers: ClinVar variation 1438878 (VCV001438878.5), dbSNP rs752880501, ClinGen allele CA5416762.

ClinVar aggregate classification (germline): Uncertain significance (1 of 4 stars; one submission).

Conditions:
Severe combined immunodeficiency due to DCLRE1C deficiency (RS-SCID). Also called: SCID, AUTOSOMAL RECESSIVE, T CELL-NEGATIVE, B CELL-NEGATIVE, NK CELL-POSITIVE, WITH SENSITIVITY TO IONIZING RADIATION. Identifiers: Orphanet 275, MedGen C1865371, MONDO:0011225, OMIM 602450.

Allele frequency attached by ClinVar (database versions not stated): TOPMed 0.00001; gnomAD exomes 0.00001 and below 0.00001; gnomAD 0.00001; ExAC 0.00001.
gnomAD v4.1: 7 of 1,613,714 alleles (0.00043%); highest among the groups gnomAD compares: South Asian, 0.0066%; no homozygotes.

Submission:

Labcorp Genetics (formerly Invitae), Labcorp
Classification: Uncertain significance for Athabaskan severe combined immunodeficiency. Last evaluated: 2021-08-31. Review status: criteria provided, single submitter. Criteria: Invitae Variant Classification Sherloc (09022015). Collection method: clinical testing. Allele origin: germline.
Comment: This sequence change replaces glutamic acid with glycine at codon 221 of the DCLRE1C protein (p.Glu221Gly). The glutamic acid residue is moderately conserved and there is a moderate physicochemical difference between glutamic acid and glycine. The frequency data for this variant in the population databases is considered unreliable, as metrics indicate poor data quality at this position in the ExAC database. This variant has not been reported in the literature in individuals affected with DCLRE1C-related conditions. Algorithms developed to predict the effect of missense changes on protein structure and function (SIFT, PolyPhen-2, Align-GVGD) all suggest that this variant is likely to be tolerated. In summary, the available evidence is currently insufficient to determine the role of this variant in disease. Therefore, it has been classified as a Variant of Uncertain Significance.